The following is an entry in ClinVar:

ClinVar aggregate classification (germline): Pathogenic (1 of 4 stars; one submission).

Submission:

Labcorp Genetics (formerly Invitae), Labcorp
Classification: Pathogenic. Last evaluated: 2024-01-12. Review status: criteria provided, single submitter. Criteria: Invitae Variant Classification Sherloc (09022015). Collection method: clinical testing. Allele origin: germline.
Comment: This sequence change creates a premature translational stop signal (p.Tyr959*) in the LRPPRC gene. It is expected to result in an absent or disrupted protein product. Loss-of-function variants in LRPPRC are known to be pathogenic (PMID: 26510951). This variant is not present in population databases (gnomAD no frequency). This variant has not been reported in the literature in individuals affected with LRPPRC-related conditions. Algorithms developed to predict the effect of sequence changes on RNA splicing suggest that this variant may disrupt the consensus splice site. For these reasons, this variant has been classified as Pathogenic.

Literature cited by the submitters: PubMed 26510951.

NM_133259.4(LRPPRC):c.2877C>A (p.Tyr959Ter)

Gene: LRPPRC (leucine rich pentatricopeptide repeat containing; minus strand). Cytogenetic location: 2p21.
Variant type: single nucleotide variant.
Coding change: c.2877C>A on transcript NM_133259.4 (MANE Select); coding-DNA position 2877, C replaced by A.
Protein change: p.Tyr959Ter; replaces tyrosine 959 with a stop codon.
Molecular consequence: nonsense.
Genome position (GRCh38, 1-based): chr2:43,925,086, G>T on the plus strand (C>A on the coding strand, the complement: LRPPRC is on the minus strand). VCF-style: chr2-43925086-G-T. GRCh37 (hg19) VCF-style: chr2-44152225-G-T.
Other names: short protein forms Y959*.
Identifiers: ClinVar variation 2709130 (VCV002709130.3), dbSNP rs2466482774, ClinGen allele CA346669682.